The following is an entry in ClinVar:

ClinVar aggregate classification (germline): Likely benign. Review status: reviewed by expert panel (3 of 4 stars). 2 submissions from 2 submitters: Likely benign (1). 1 of the submissions does not count toward it. Last evaluated 2026-05-04.

Conditions:
Hereditary thrombocytopenia and hematologic cancer predisposition syndrome. Identifiers: Orphanet 71290, MedGen CN281654, MONDO:0011071.
Inborn genetic diseases. Identifiers: MedGen C0950123, MeSH D030342.

gnomAD v4.1: 1 of 1,613,560 alleles (0.000062%); highest among the groups gnomAD compares: Non-Finnish European, 0.000085%; no homozygotes.

Submissions (2):

ClinGen Myeloid Malignancy Variant Curation Expert Panel
Classification: Likely benign for Hereditary thrombocytopenia and hematologic cancer predisposition syndrome. Last evaluated: 2026-05-04. Review status: reviewed by expert panel. Criteria: ClinGen MyeloMalig ACMG Specifications V3.1. Collection method: curation. Allele origin: germline. Inheritance: Autosomal dominant inheritance.
Comment: NM_001754.5(RUNX1):c.282C>T (p.Ser94=) is a synonymous variant which has a SpliceAI score ≤ 0.20 (0.00) (BP4, BP7). This variant is completely absent from all population databases with at least 20x coverage for RUNX1 (PM2_supporting). In summary, this variant meets criteria to be classified as likely benign. ACMG/AMP criteria applied, as specified by the Myeloid Malignancy Variant Curation Expert Panel for RUNX1: BP4, BP7, PM2_supporting.

Ambry Genetics
Classification: Likely benign for Inborn genetic diseases. Last evaluated: 2025-02-02. Review status: criteria provided, single submitter. Criteria: Ambry Variant Classification Scheme 2023. Collection method: clinical testing. Allele origin: germline. Not counted in ClinVar's aggregate classification.

NM_001754.5(RUNX1):c.282C>T (p.Ser94=)

Gene: RUNX1 (RUNX family transcription factor 1; minus strand). Cytogenetic location: 21q22.12.
Variant type: single nucleotide variant.
Coding change: c.282C>T on transcript NM_001754.5 (MANE Select); coding-DNA position 282, C replaced by T.
Protein change: p.Ser94=; no amino-acid change (serine 94 retained).
Molecular consequence: synonymous variant.
Genome position (GRCh38, 1-based): chr21:34,886,912, G>A on the plus strand (C>T on the coding strand, the complement: RUNX1 is on the minus strand). VCF-style: chr21-34886912-G-A. GRCh37 (hg19) VCF-style: chr21-36259209-G-A.
Other names: NM_001754.5(RUNX1):c.282C>T; p.Ser94=; c.201C>T, p.Ser67= (NM_001001890.3, NM_001122607.2).
Identifiers: ClinVar variation 3791495 (VCV003791495.3).